The following is an entry in ClinVar:

NM_199420.4(POLQ):c.5420A>G (p.Gln1807Arg)

Gene: POLQ (DNA polymerase theta; minus strand). Cytogenetic location: 3q13.33.
Variant type: single nucleotide variant.
Coding change: c.5420A>G on transcript NM_199420.4 (MANE Select); coding-DNA position 5420, A replaced by G.
Protein change: p.Gln1807Arg; replaces glutamine 1807 with arginine.
Molecular consequence: missense variant.
Genome position (GRCh38, 1-based): chr3:121,487,511, T>C on the plus strand (A>G on the coding strand, the complement: POLQ is on the minus strand). VCF-style: chr3-121487511-T-C. GRCh37 (hg19) VCF-style: chr3-121206358-T-C.
Other names: short protein forms Q1807R.
Identifiers: ClinVar variation 3230059 (VCV003230059.1), dbSNP rs2546784756, ClinGen allele CA354090227.

ClinVar aggregate classification (germline): Uncertain significance (1 of 4 stars; one submission).

Submission:

Ambry Genetics
Classification: Uncertain significance. Last evaluated: 2023-10-10. Review status: criteria provided, single submitter. Criteria: Ambry Variant Classification Scheme 2023. Collection method: clinical testing. Allele origin: germline.
Comment: The p.Q1807R variant (also known as c.5420A>G), located in coding exon 16 of the POLQ gene, results from an A to G substitution at nucleotide position 5420. The glutamine at codon 1807 is replaced by arginine, an amino acid with highly similar properties. This amino acid position is conserved. In addition, this alteration is predicted to be tolerated by in silico analysis. Since supporting evidence is limited at this time, the clinical significance of this alteration remains unclear.